The following is an entry in ClinVar:

ClinVar aggregate classification (germline): Pathogenic (1 of 4 stars; one submission).

Conditions:
Gorlin syndrome. Also called: Basal cell nevus syndrome; Nevoid Basal Cell Carcinoma Syndrome. Identifiers: Orphanet 377, MedGen C0004779, MONDO:0007187.

Submission:

Labcorp Genetics (formerly Invitae), Labcorp
Classification: Pathogenic for Gorlin syndrome. Last evaluated: 2020-06-15. Review status: criteria provided, single submitter. Criteria: Invitae Variant Classification Sherloc (09022015). Collection method: clinical testing. Allele origin: germline.
Comment: This sequence change creates a premature translational stop signal (p.Asn915Hisfs*3) in the PTCH1 gene. It is expected to result in an absent or disrupted protein product. This variant is not present in population databases (ExAC no frequency). This variant has been observed in individual(s) with basal cell nevus syndrome (BCNS) (PMID: 16909134). This variant is also reported as c.2473insCATCATT in the literature. Loss-of-function variants in PTCH1 are known to be pathogenic (PMID: 16301862, 16419085). For these reasons, this variant has been classified as Pathogenic.

Literature cited by the submitters: PubMed 16909134; PubMed 16301862; PubMed 16419085.

NM_000264.5(PTCH1):c.2736_2742dup (p.Asn915delinsHisHisTer)

Gene: PTCH1 (patched 1; minus strand). Cytogenetic location: 9q22.32.
Variant type: Duplication.
Coding change: c.2736_2742dup on transcript NM_000264.5 (MANE Select); coding-DNA positions 2736 to 2742, 7 bases duplicated (CATCATT; older notation c.2736_2742dupCATCATT).
Protein change: p.Asn915delinsHisHisTer.
Molecular consequence: nonsense. On other transcripts: non-coding transcript variant (1).
Genome position (GRCh38, 1-based): chr9:95,459,745-95,459,751, AATGATG duplicated on the plus strand (CATCATT on the coding strand, the reverse complement: PTCH1 is on the minus strand). VCF-style (leftmost placement, unchanged base first): chr9-95459744-T-TAATGATG. GRCh37 (hg19) VCF-style: chr9-98222026-T-TAATGATG.
Other names: c.2538_2544dup, p.Asn849delinsHisHisTer (NM_001083602.3); c.2733_2739dup, p.Asn914delinsHisHisTer (NM_001083603.3); c.2283_2289dup, p.Asn764delinsHisHisTer (NM_001083604.3, NM_001083605.3, NM_001083606.3 and 1 more transcripts); c.2580_2586dup, p.Asn863delinsHisHisTer (NM_001354918.2).
Identifiers: ClinVar variation 1074458 (VCV001074458.9), dbSNP rs2136672811, ClinGen allele CA2499220033.